The following is an entry in ClinVar:

NM_005633.4(SOS1):c.1786G>C (p.Ala596Pro)

Gene: SOS1 (SOS Ras/Rac guanine nucleotide exchange factor 1; minus strand). Cytogenetic location: 2p22.1.
Variant type: single nucleotide variant.
Coding change: c.1786G>C on transcript NM_005633.4 (MANE Select); coding-DNA position 1786, G replaced by C.
Protein change: p.Ala596Pro; replaces alanine 596 with proline.
Molecular consequence: missense variant.
Genome position (GRCh38, 1-based): chr2:39,022,642, C>G on the plus strand (G>C on the coding strand, the complement: SOS1 is on the minus strand). VCF-style: chr2-39022642-C-G. GRCh37 (hg19) VCF-style: chr2-39249783-C-G.
Other names: c.1765G>C, p.Ala589Pro (NM_001382394.1); c.1786G>C, p.Ala596Pro (NM_001382395.1); short protein forms A589P, A596P.
Identifiers: ClinVar variation 3799909 (VCV003799909.1).

ClinVar aggregate classification (germline): Uncertain significance (1 of 4 stars; one submission).

Conditions:
Cardiovascular phenotype. Identifiers: MedGen CN230736.

gnomAD v4.1: 2 of 1,613,350 alleles (0.00012%); highest among the groups gnomAD compares: Non-Finnish European, 0.00017%; no homozygotes.

Submission:

Ambry Genetics
Classification: Uncertain significance for Cardiovascular phenotype. Last evaluated: 2025-02-13. Review status: criteria provided, single submitter. Criteria: Ambry Variant Classification Scheme 2023. Collection method: clinical testing. Allele origin: germline.
Comment: The p.A596P variant (also known as c.1786G>C), located in coding exon 10 of the SOS1 gene, results from a G to C substitution at nucleotide position 1786. The alanine at codon 596 is replaced by proline, an amino acid with highly similar properties. This amino acid position is conserved. In addition, this alteration is predicted to be tolerated by in silico analysis. Based on the available evidence, the clinical significance of this variant remains unclear.